The following is an entry in ClinVar:

NM_015001.3(SPEN):c.7676C>T (p.Ala2559Val)

Gene: SPEN (spen family transcriptional repressor; plus strand). Cytogenetic location: 1p36.13.
Variant type: single nucleotide variant.
Coding change: c.7676C>T on transcript NM_015001.3 (MANE Select); coding-DNA position 7676, C replaced by T.
Protein change: p.Ala2559Val; replaces alanine 2559 with valine.
Molecular consequence: missense variant.
Genome position (GRCh38, 1-based): chr1:15,933,916, C>T. VCF-style: chr1-15933916-C-T. GRCh37 (hg19) VCF-style: chr1-16260411-C-T.
Other names: short protein forms A2559V.
Identifiers: ClinVar variation 3771189 (VCV003771189.13).

ClinVar aggregate classification (germline): Uncertain significance (1 of 4 stars; one submission).

gnomAD v4.1: 11 of 1,614,054 alleles (0.00068%); highest among the groups gnomAD compares: South Asian, 0.0022%; no homozygotes.

Submission:

CeGaT Center for Human Genetics Tuebingen
Classification: Uncertain significance. Last evaluated: 2024-12-01. Review status: criteria provided, single submitter. Criteria: CeGaT Center For Human Genetics Tuebingen Variant Classification Criteria Version 2. Collection method: clinical testing. Allele origin: germline. Affected: yes. Observed: 1 variant allele.
Comment: SPEN: PM2, BP4